The following is an entry in ClinVar:

NM_000078.3(CETP):c.1398C>G (p.Ile466Met)

Gene: CETP (cholesteryl ester transfer protein; plus strand). Cytogenetic location: 16q13.
Variant type: single nucleotide variant.
Coding change: c.1398C>G on transcript NM_000078.3 (MANE Select); coding-DNA position 1398, C replaced by G.
Protein change: p.Ile466Met; replaces isoleucine 466 with methionine.
Molecular consequence: missense variant.
Genome position (GRCh38, 1-based): chr16:56,983,402, C>G. VCF-style: chr16-56983402-C-G. GRCh37 (hg19) VCF-style: chr16-57017314-C-G.
Other names: c.1218C>G, p.Ile406Met (NM_001286085.2); short protein forms I406M, I466M.
Identifiers: ClinVar variation 1476823 (VCV001476823.8), dbSNP rs771246247, ClinGen allele CA8071374.

ClinVar aggregate classification (germline): Uncertain significance (1 of 4 stars; one submission).

Allele frequency attached by ClinVar (database versions not stated): gnomAD exomes below 0.00001; ExAC 0.00001; gnomAD 0.00001.
gnomAD v4.1: 16 of 1,614,054 alleles (0.00099%); highest among the groups gnomAD compares: African/African-American, 0.0013%; no homozygotes.

Submission:

Labcorp Genetics (formerly Invitae), Labcorp
Classification: Uncertain significance. Last evaluated: 2021-05-24. Review status: criteria provided, single submitter. Criteria: Invitae Variant Classification Sherloc (09022015). Collection method: clinical testing. Allele origin: germline.
Comment: In summary, the available evidence is currently insufficient to determine the role of this variant in disease. Therefore, it has been classified as a Variant of Uncertain Significance. Algorithms developed to predict the effect of missense changes on protein structure and function are either unavailable or do not agree on the potential impact of this missense change (SIFT: "Deleterious"; PolyPhen-2: "Possibly Damaging"; Align-GVGD: "Class C0"). This variant has not been reported in the literature in individuals with CETP-related conditions. This variant is present in population databases (rs771246247, ExAC 0.001%). This sequence change replaces isoleucine with methionine at codon 466 of the CETP protein (p.Ile466Met). The isoleucine residue is weakly conserved and there is a small physicochemical difference between isoleucine and methionine.